The following is an entry in ClinVar:

ClinVar aggregate classification (germline): Uncertain significance. Review status: criteria provided, multiple submitters, no conflicts (2 of 4 stars). 3 submissions from 3 submitters: Uncertain significance (3). Last evaluated 2025-11-17.

Conditions:
SPG11-related disorder. Also called: SPG11-related condition.
Inborn genetic diseases. Identifiers: MedGen C0950123, MeSH D030342.

Allele frequency attached by ClinVar (database versions not stated): ExAC 0.00002; gnomAD 0.00002; 1000 Genomes Project 30x 0.00016; 1000 Genomes Project 0.00020; TOPMed below 0.00001; gnomAD exomes 0.00001.

Submissions (3):

PreventionGenetics, part of Exact Sciences
Classification: Uncertain significance for SPG11-related condition. Last evaluated: 2025-11-17. Review status: criteria provided, single submitter. Criteria: ACMG Guidelines, 2015. Collection method: clinical testing. Allele origin: germline.
Comment: The SPG11 c.482A>G variant is predicted to result in the amino acid substitution p.Asn161Ser. To our knowledge, this variant has not been reported in the literature. This variant is reported in 0.020% of alleles in individuals of South Asian descent in gnomAD. At this time, the clinical significance of this variant is uncertain due to the absence of conclusive functional and genetic evidence.

Ambry Genetics
Classification: Uncertain significance for Inborn genetic diseases. Last evaluated: 2024-12-06. Review status: criteria provided, single submitter. Criteria: Ambry Variant Classification Scheme 2023. Collection method: clinical testing. Allele origin: germline.

GeneDx
Classification: Uncertain significance. Last evaluated: 2024-10-11. Review status: criteria provided, single submitter. Criteria: GeneDx Variant Classification Process June 2021. Collection method: clinical testing. Allele origin: germline. Affected: yes.
Comment: In silico analysis indicates that this missense variant does not alter protein structure/function; Has not been previously published as pathogenic or benign to our knowledge

NM_025137.4(SPG11):c.482A>G (p.Asn161Ser)

Gene: SPG11 (SPG11 vesicle trafficking associated, spatacsin; minus strand). Cytogenetic location: 15q21.1.
Variant type: single nucleotide variant.
Coding change: c.482A>G on transcript NM_025137.4 (MANE Select); coding-DNA position 482, A replaced by G.
Protein change: p.Asn161Ser; replaces asparagine 161 with serine.
Molecular consequence: missense variant.
Genome position (GRCh38, 1-based): chr15:44,659,264, T>C on the plus strand (A>G on the coding strand, the complement: SPG11 is on the minus strand). VCF-style: chr15-44659264-T-C. GRCh37 (hg19) VCF-style: chr15-44951462-T-C.
Other names: c.482A>G, p.Asn161Ser (NM_001160227.2, NM_001411132.1); short protein forms N161S.
Identifiers: ClinVar variation 1743407 (VCV001743407.5), dbSNP rs559337165, ClinGen allele CA7535812.